The following is an entry in ClinVar:

ClinVar aggregate classification (germline): Pathogenic. Review status: reviewed by expert panel (3 of 4 stars). 2 submissions from 2 submitters: Pathogenic (1). 1 of the submissions does not count toward it. Last evaluated 2024-03-04.

Conditions:
Recombinase activating gene 1 deficiency. Identifiers: MedGen CN375631, MONDO:0000572.
Severe combined immunodeficiency, autosomal recessive, T cell-negative, B cell-negative, NK cell-positive. Also called: SCID, T CELL-NEGATIVE, B CELL-NEGATIVE, NK CELL-POSITIVE; SCID, AR, T-cell negative, B-cell negative, NK cell-positive; Severe combined immunodeficiency due to complete RAG1/2 deficiency. Identifiers: Orphanet 331206, MedGen C1832322, MONDO:0011086, OMIM 601457.
Combined immunodeficiency with skin granulomas. Identifiers: Orphanet 157949, MedGen C2673536, MONDO:0009306, OMIM 233650.

Submissions (2):

ClinGen Severe Combined Immunodeficiency Variant Curation Expert Panel, ClinGen
Classification: Pathogenic for Recombinase activating gene 1 deficiency. Last evaluated: 2024-03-04. Review status: reviewed by expert panel. Criteria: ClinGen SCID ACMG Specifications RAG1 V1.0.0. Collection method: curation. Allele origin: germline. Inheritance: Autosomal recessive inheritance.
Comment: The c.2877G>A (p.Trp959Ter) (NM_000448.3) variant in RAG1 is a nonsense variant that may cause a premature stop codon that is predicted to escape nonsense-mediated decay. However, it is predicted to truncate part of the core region (between aa 387-1011) critical to the function of the protein (PVS1 Met). The filtering allele frequency (the upper threshold of the 95% CI of 6/86258) of the c.2877G>A variant in RAG1 is 0.00002995 for South Asian chromosomes by gnomAD v4, which is lower than the ClinGen SCID VCEP threshold (<0.000102) for PM2_Supporting, and therefore meets this criterion (PM2_Supporting).The recombination activity assay (described in PMID 29772310) showed activity of this variant compared to wildtype RAG1 is 0 %, which is lower than the SCID VCEP threshold (<25%) for PS3_Moderate, meeting this criterion (PS3_Moderate) (Dr. Notarangelo's lab, internal communication). In summary, this variant meets the criteria to be classified as a Pathogenic variant for autosomal recessive severe combined immunodeficiency due to RAG1 deficiency based on the ACMG/AMP criteria applied, as specified by the ClinGen SCID VCEP: PVS1 Met, PM2_Supporting,PS3_Moderate (VCEP specifications version 1).

Labcorp Genetics (formerly Invitae), Labcorp
Classification: Pathogenic for Combined immunodeficiency with skin granulomas; Severe combined immunodeficiency, autosomal recessive, T cell-negative, B cell-negative, NK cell-positive. Last evaluated: 2023-06-23. Review status: criteria provided, single submitter. Criteria: Invitae Variant Classification Sherloc (09022015). Collection method: clinical testing. Allele origin: germline. Not counted in ClinVar's aggregate classification.
Comment: This variant disrupts a region of the RAG1 protein in which other variant(s) (p.Lys992Glu) have been determined to be pathogenic (PMID: 11313270, 18442948, 24290284). This suggests that this is a clinically significant region of the protein, and that variants that disrupt it are likely to be disease-causing. For these reasons, this variant has been classified as Pathogenic. ClinVar contains an entry for this variant (Variation ID: 967900). This premature translational stop signal has been observed in individuals with clinical features of severe combined immunodeficiency (PMID: 11133745, 24290284, 24406074). This variant is not present in population databases (gnomAD no frequency). This sequence change creates a premature translational stop signal (p.Trp959*) in the RAG1 gene. While this is not anticipated to result in nonsense mediated decay, it is expected to disrupt the last 85 amino acid(s) of the RAG1 protein.

Literature cited by the submitters: PubMed 29772310 (cited by ClinGen Severe Combined Immunodeficiency Variant Curation Expert Panel, ClinGen); PubMed 11313270 (cited by Labcorp Genetics (formerly Invitae), Labcorp); PubMed 18442948 (cited by Labcorp Genetics (formerly Invitae), Labcorp); PubMed 24290284 (cited by Labcorp Genetics (formerly Invitae), Labcorp); PubMed 11133745 (cited by Labcorp Genetics (formerly Invitae), Labcorp); PubMed 24406074 (cited by Labcorp Genetics (formerly Invitae), Labcorp).

NM_000448.3(RAG1):c.2877G>A (p.Trp959Ter)

Gene: RAG1 (recombination activating 1; plus strand). Cytogenetic location: 11p12.
Variant type: single nucleotide variant.
Coding change: c.2877G>A on transcript NM_000448.3 (MANE Select); coding-DNA position 2877, G replaced by A.
Protein change: p.Trp959Ter; replaces tryptophan 959 with a stop codon.
Molecular consequence: nonsense.
Genome position (GRCh38, 1-based): chr11:36,576,181, G>A. VCF-style: chr11-36576181-G-A. GRCh37 (hg19) VCF-style: chr11-36597731-G-A.
Other names: NM_000448.3(RAG1):c.2877G>A; p.Trp959Ter; c.2877G>A, p.Trp959Ter (NM_001377277.1, NM_001377278.1, NM_001377279.1 and 1 more transcripts); short protein forms W959*.
Identifiers: ClinVar variation 967900 (VCV000967900.10), dbSNP rs1850847819, ClinGen allele CA380135709.